The following is an entry in ClinVar:

ClinVar aggregate classification (germline): Conflicting classifications of pathogenicity. Review status: criteria provided, conflicting classifications (1 of 4 stars). 5 submissions from 5 submitters: Uncertain significance (4); Likely benign (1). Last evaluated 2026-01-20.

Conditions:
RECON progeroid syndrome (RECON). Identifiers: MedGen C5830504, MONDO:0957266, OMIM 620370.

Submissions (5):

Labcorp Genetics (formerly Invitae), Labcorp
Classification: Uncertain significance. Last evaluated: 2026-01-20. Review status: criteria provided, single submitter. Criteria: Invitae Variant Classification Sherloc (09022015). Collection method: clinical testing. Allele origin: germline.
Comment: This variant, c.1363_1365del, results in the deletion of 1 amino acid(s) of the RECQL protein (p.Arg455del), but otherwise preserves the integrity of the reading frame. This variant is present in population databases (rs750279410, gnomAD 0.01%). This variant has not been reported in the literature in individuals affected with RECQL-related conditions. ClinVar contains an entry for this variant (Variation ID: 834493). In summary, the available evidence is currently insufficient to determine the role of this variant in disease. Therefore, it has been classified as a Variant of Uncertain Significance.

GeneDx
Classification: Uncertain significance. Last evaluated: 2025-07-02. Review status: criteria provided, single submitter. Criteria: GeneDx Variant Classification Process June 2021. Collection method: clinical testing. Allele origin: germline. Affected: yes.
Comment: In-frame deletion of 1 amino acid(s) in a non-repeat region; In silico analysis supports a deleterious effect on protein structure/function; In silico analysis is inconclusive as to whether the variant alters gene splicing. In the absence of RNA/functional studies, the actual effect of this sequence change is unknown.; Has not been previously published as pathogenic or benign to our knowledge; Variants in candidate genes are classified as variants of uncertain significance in accordance with ACMG guidelines (PMID: 25741868); This variant is associated with the following publications: (PMID: 27248010, 19151156)

Quest Diagnostics Nichols Institute San Juan Capistrano
Classification: Uncertain significance. Last evaluated: 2025-01-14. Review status: criteria provided, single submitter. Criteria: Quest Diagnostics criteria. Collection method: clinical testing. Allele origin: unknown.
Comment: The RECQL c.1363_1365del (p.Arg455del) variant results in the deletion of a single amino acid in the RECQL protein (p.Arg455del) while preserving the integrity of the reading frame. The variant has been reported in the published literature in individual(s) with prostate cancer (PMID: 32268276 (2020)) and in a brain tumor sample (PMID: 39143272 (2024)). The frequency of this variant in the general population (Genome Aggregation Database) is uninformative in the assessment of its pathogenicity. Based on the available information, we are unable to determine the clinical significance of this variant.

Fulgent Genetics
Classification: Uncertain significance for RECON progeroid syndrome. Last evaluated: 2024-03-07. Review status: criteria provided, single submitter. Criteria: ACMG Guidelines, 2015. Collection method: clinical testing. Allele origin: germline.

Ambry Genetics
Classification: Likely benign. Last evaluated: 2020-10-28. Review status: criteria provided, single submitter. Criteria: Ambry Variant Classification Scheme 2023. Collection method: clinical testing. Allele origin: germline.

Literature cited by the submitters: PubMed 32268276 (cited by Quest Diagnostics Nichols Institute San Juan Capistrano); PubMed 39143272 (cited by Quest Diagnostics Nichols Institute San Juan Capistrano).

NM_002907.4(RECQL):c.1360CGT[1] (p.Arg455del)

Gene: RECQL (RecQ like helicase; minus strand). Cytogenetic location: 12p12.1.
Variant type: Microsatellite.
Coding change: c.1360CGT[1] on transcript NM_002907.4 (MANE Select); one copy of the 3-base unit CGT starting at c.1360; the reference has two copies in a row; one copy, 3 bases deleted; also written c.1363_1365del.
Protein change: p.Arg455del; deletes arginine 455.
Molecular consequence: inframe deletion.
Genome position (GRCh38, 1-based): chr12:21,473,633-21,473,635, ACG deleted on the plus strand (CGT on the coding strand, the reverse complement: RECQL is on the minus strand); deleting any 3 consecutive bases within chr12:21,473,633-21,473,640 gives the same sequence; the position shown is the placement nearest the transcript's 3' end. VCF-style (leftmost placement, unchanged base first): chr12-21473632-CACG-C. GRCh37 (hg19) VCF-style: chr12-21626566-CACG-C.
Other names: c.1363_1365delCGT (NM_002907.3); c.1363_1365del (NM_002907.4); c.1360CGT[1], p.Arg455del (NM_032941.3); short protein forms R455del.
Identifiers: ClinVar variation 834493 (VCV000834493.18), dbSNP rs750279410, ClinGen allele CA6478763.